The following is an entry in ClinVar:

ClinVar aggregate classification (germline): Uncertain significance (1 of 4 stars; one submission).

Allele frequency attached by ClinVar (database versions not stated): gnomAD exomes below 0.00001; TOPMed below 0.00001; ExAC 0.00001.
gnomAD v4.1: 7 of 1,612,616 alleles (0.00043%); highest among the groups gnomAD compares: Middle Eastern, 0.017%; no homozygotes.

Submission:

Labcorp Genetics (formerly Invitae), Labcorp
Classification: Uncertain significance. Last evaluated: 2025-11-18. Review status: criteria provided, single submitter. Criteria: Invitae Variant Classification Sherloc (09022015). Collection method: clinical testing. Allele origin: germline.
Comment: This sequence change replaces histidine, which is basic and polar, with arginine, which is basic and polar, at codon 758 of the RP1 protein (p.His758Arg). This variant is present in population databases (rs769551321, gnomAD 0.02%). This variant has not been reported in the literature in individuals affected with RP1-related conditions. ClinVar contains an entry for this variant (Variation ID: 1929844). An algorithm developed to predict the effect of missense changes on protein structure and function outputs the following: PolyPhen-2: "Benign". The arginine amino acid residue is found in multiple mammalian species, which suggests that this missense change does not adversely affect protein function. In summary, the available evidence is currently insufficient to determine the role of this variant in disease. Therefore, it has been classified as a Variant of Uncertain Significance.

NM_006269.2(RP1):c.2273A>G (p.His758Arg)

Gene: RP1 (RP1 axonemal microtubule associated; plus strand). Cytogenetic location: 8q12.1.
Variant type: single nucleotide variant.
Coding change: c.2273A>G on transcript NM_006269.2 (MANE Select); coding-DNA position 2273, A replaced by G.
Protein change: p.His758Arg; replaces histidine 758 with arginine.
Molecular consequence: missense variant. On other transcripts: intron variant (1).
Genome position (GRCh38, 1-based): chr8:54,626,155, A>G. VCF-style: chr8-54626155-A-G. GRCh37 (hg19) VCF-style: chr8-55538715-A-G.
Other names: c.787+3867A>G (NM_001375654.1); short protein forms H758R.
Identifiers: ClinVar variation 1929844 (VCV001929844.5), dbSNP rs769551321, ClinGen allele CA4751500.